The following is an entry in ClinVar:

ClinVar aggregate classification (germline): Uncertain significance (1 of 4 stars; one submission).

Submission:

CeGaT Center for Human Genetics Tuebingen
Classification: Uncertain significance. Last evaluated: 2025-02-01. Review status: criteria provided, single submitter. Criteria: CeGaT Center For Human Genetics Tuebingen Variant Classification Criteria Version 2. Collection method: clinical testing. Allele origin: germline. Affected: yes. Observed: 1 variant allele.
Comment: SETD2: PM2, BP4

NM_014159.7(SETD2):c.1477C>G (p.Arg493Gly)

Gene: SETD2 (SET domain containing 2, histone lysine methyltransferase; minus strand). Cytogenetic location: 3p21.31.
Variant type: single nucleotide variant.
Coding change: c.1477C>G on transcript NM_014159.7 (MANE Select); coding-DNA position 1477, C replaced by G.
Protein change: p.Arg493Gly; replaces arginine 493 with glycine.
Molecular consequence: missense variant. On other transcripts: non-coding transcript variant (1).
Genome position (GRCh38, 1-based): chr3:47,123,159, G>C on the plus strand (C>G on the coding strand, the complement: SETD2 is on the minus strand). VCF-style: chr3-47123159-G-C. GRCh37 (hg19) VCF-style: chr3-47164649-G-C.
Other names: c.1345C>G, p.Arg449Gly (NM_001349370.3); short protein forms R449G, R493G.
Identifiers: ClinVar variation 3771993 (VCV003771993.13).
Genomic context (GRCh38, chr3:47,123,159, plus strand): 5'-TTGAAGAATACTTGCCTCTTCTTTCCATCTCTAAGTAAGAGGTCTCAGTTTTACAGTCCC[G>C]ATCAGATTTAGAATAGGATGATGTCCTTAGGTCTCTGTAAGAAGAGGAATGAGATGAGGT-3'
Protein context (NP_054878.5, residues 483-503): LRTSSYSKSD[Arg493Gly]DCKTETSYLE